The following is an entry in ClinVar:

ClinVar aggregate classification (germline): Uncertain significance (1 of 4 stars; one submission).

Conditions:
Charcot-Marie-Tooth disease axonal type 2L. Also called: Charcot-Marie-Tooth Neuropathy Type 2L; CHARCOT-MARIE-TOOTH DISEASE, AXONAL, AUTOSOMAL DOMINANT, TYPE 2L; CHARCOT-MARIE-TOOTH NEUROPATHY, AXONAL, TYPE 2L. Identifiers: Orphanet 99945, MedGen C1837552, MONDO:0012096, OMIM 608673.

Allele frequency attached by ClinVar (database versions not stated): gnomAD exomes below 0.00001.
gnomAD v4.1: 1 of 1,576,414 alleles (0.000063%); highest among the groups gnomAD compares: Non-Finnish European, 0.000086%; no homozygotes.

Submission:

Labcorp Genetics (formerly Invitae), Labcorp
Classification: Uncertain significance for Charcot-Marie-Tooth disease axonal type 2L. Last evaluated: 2024-03-12. Review status: criteria provided, single submitter. Criteria: Invitae Variant Classification Sherloc (09022015). Collection method: clinical testing. Allele origin: germline.
Comment: This sequence change replaces serine, which is neutral and polar, with tyrosine, which is neutral and polar, at codon 122 of the HSPB8 protein (p.Ser122Tyr). This variant is not present in population databases (gnomAD no frequency). This variant has not been reported in the literature in individuals affected with HSPB8-related conditions. ClinVar contains an entry for this variant (Variation ID: 1055000). An algorithm developed to predict the effect of missense changes on protein structure and function (PolyPhen-2) suggests that this variant is likely to be disruptive. In summary, the available evidence is currently insufficient to determine the role of this variant in disease. Therefore, it has been classified as a Variant of Uncertain Significance.

NM_014365.3(HSPB8):c.365C>A (p.Ser122Tyr)

Gene: HSPB8 (heat shock protein family B (small) member 8; plus strand). Cytogenetic location: 12q24.23.
Variant type: single nucleotide variant.
Coding change: c.365C>A on transcript NM_014365.3 (MANE Select); coding-DNA position 365, C replaced by A.
Protein change: p.Ser122Tyr; replaces serine 122 with tyrosine.
Molecular consequence: missense variant.
Genome position (GRCh38, 1-based): chr12:119,179,677, C>A. VCF-style: chr12-119179677-C-A. GRCh37 (hg19) VCF-style: chr12-119617482-C-A.
Other names: short protein forms S122Y.
Identifiers: ClinVar variation 1055000 (VCV001055000.9), dbSNP rs1427416227, ClinGen allele CA386526459.